The following is an entry in ClinVar:

NM_001211.6(BUB1B):c.23G>T (p.Gly8Val)

Genes: BUB1B (BUB1 mitotic checkpoint serine/threonine kinase B; plus strand), LOC130056830 (ATAC-STARR-seq lymphoblastoid active region 9236; plus strand). Cytogenetic location: 15q15.1.
Variant type: single nucleotide variant.
Coding change: c.23G>T on transcript NM_001211.6 (MANE Select); coding-DNA position 23, G replaced by T.
Protein change: p.Gly8Val; replaces glycine 8 with valine.
Molecular consequence: missense variant.
Genome position (GRCh38, 1-based): chr15:40,161,243, G>T. VCF-style: chr15-40161243-G-T. GRCh37 (hg19) VCF-style: chr15-40453444-G-T.
Other names: short protein forms G8V.
Identifiers: ClinVar variation 1790718 (VCV001790718.4), dbSNP rs554782320, ClinGen allele CA7475316.
Genomic context (GRCh38, chr15:40,161,243, plus strand): 5'-GCCTGCAGCAGGACGAGGACCTGAGCCAGGAATGCAGGATGGCGGCGGTGAAGAAGGAAG[G>T]GGGTGCTCTGAGGTAGGTACGGGAGAAAGCTGCTGGGGGCTGGGCCTGAGAGGACACGGC-3'
Protein context (NP_001202.5, residues 1-18): MAAVKKE[Gly8Val]GALSEAMSLE

ClinVar aggregate classification (germline): Uncertain significance. Review status: criteria provided, multiple submitters, no conflicts (2 of 4 stars). 2 submissions from 2 submitters: Uncertain significance (2). Last evaluated 2026-01-20.

Conditions:
Mosaic variegated aneuploidy syndrome 1 (MVA1). Also called: Warburton-Anyane-Yeboa syndrome. Identifiers: Orphanet 1052, MedGen C1850343, MONDO:0009759, OMIM 257300.
Inborn genetic diseases. Identifiers: MedGen C0950123, MeSH D030342.

gnomAD v4.1: 3 of 1,613,146 alleles (0.00019%); highest among the groups gnomAD compares: South Asian, 0.0033%; no homozygotes.

Submissions (2):

Labcorp Genetics (formerly Invitae), Labcorp
Classification: Uncertain significance for Mosaic variegated aneuploidy syndrome 1. Last evaluated: 2026-01-20. Review status: criteria provided, single submitter. Criteria: Invitae Variant Classification Sherloc (09022015). Collection method: clinical testing. Allele origin: germline.
Comment: This sequence change replaces glycine, which is neutral and non-polar, with valine, which is neutral and non-polar, at codon 8 of the BUB1B protein (p.Gly8Val). This variant is present in population databases (rs554782320, gnomAD 0.003%). This variant has not been reported in the literature in individuals affected with BUB1B-related conditions. ClinVar contains an entry for this variant (Variation ID: 1790718). An algorithm developed to predict the effect of missense changes on protein structure and function (PolyPhen-2) suggests that this variant is likely to be tolerated. In summary, the available evidence is currently insufficient to determine the role of this variant in disease. Therefore, it has been classified as a Variant of Uncertain Significance.

Ambry Genetics
Classification: Uncertain significance for Inborn genetic diseases. Last evaluated: 2024-05-05. Review status: criteria provided, single submitter. Criteria: Ambry Variant Classification Scheme 2023. Collection method: clinical testing. Allele origin: germline.
Comment: The p.G8V variant (also known as c.23G>T), located in coding exon 1 of the BUB1B gene, results from a G to T substitution at nucleotide position 23. The glycine at codon 8 is replaced by valine, an amino acid with dissimilar properties. This amino acid position is conserved. In addition, this alteration is predicted to be tolerated by in silico analysis. Since supporting evidence is limited at this time, the clinical significance of this alteration remains unclear.